The following is an entry in ClinVar:

ClinVar aggregate classification (germline): Pathogenic (1 of 4 stars; one submission).

Submission:

Labcorp Genetics (formerly Invitae), Labcorp
Classification: Pathogenic. Last evaluated: 2022-06-26. Review status: criteria provided, single submitter. Criteria: Invitae Variant Classification Sherloc (09022015). Collection method: clinical testing. Allele origin: germline.
Comment: For these reasons, this variant has been classified as Pathogenic. This variant has not been reported in the literature in individuals affected with NPHS1-related conditions. This variant is not present in population databases (gnomAD no frequency). This sequence change creates a premature translational stop signal (p.Phe873Serfs*32) in the NPHS1 gene. It is expected to result in an absent or disrupted protein product. Loss-of-function variants in NPHS1 are known to be pathogenic (PMID: 11317351, 11854170, 12039988).

Literature cited by the submitters: PubMed 11317351; PubMed 11854170; PubMed 12039988.

NM_004646.4(NPHS1):c.2618del (p.Phe873fs)

Gene: NPHS1 (NPHS1 adhesion molecule, nephrin; minus strand). Cytogenetic location: 19q13.12.
Variant type: Deletion.
Coding change: c.2618del on transcript NM_004646.4 (MANE Select); coding-DNA position 2618, one base deleted (T; older notation c.2618delT).
Protein change: p.Phe873fs; shifts the reading frame from phenylalanine 873.
Molecular consequence: frameshift variant.
Genome position (GRCh38, 1-based): chr19:35,842,169, A deleted on the plus strand (T on the coding strand, the reverse complement: NPHS1 is on the minus strand); the first of 4 consecutive A bases (chr19:35,842,169-35,842,172); deleting any one gives the same sequence. VCF-style (leftmost placement, unchanged base first): chr19-35842168-GA-G. GRCh37 (hg19) VCF-style: chr19-36333070-GA-G.
Other names: short protein forms F873fs.
Identifiers: ClinVar variation 2112749 (VCV002112749.4), dbSNP rs2513769058, ClinGen allele CA2580096856.